The following is an entry in ClinVar:

NM_002979.5(SCP2):c.1547C>T (p.Ser516Leu)

Gene: SCP2 (sterol carrier protein 2; plus strand). Cytogenetic location: 1p32.3.
Variant type: single nucleotide variant.
Coding change: c.1547C>T on transcript NM_002979.5 (MANE Select); coding-DNA position 1547, C replaced by T.
Protein change: p.Ser516Leu; replaces serine 516 with leucine.
Molecular consequence: missense variant. On other transcripts: 3 prime UTR variant (1).
Genome position (GRCh38, 1-based): chr1:53,047,936, C>T. VCF-style: chr1-53047936-C-T. GRCh37 (hg19) VCF-style: chr1-53513608-C-T.
Other names: c.335C>T, p.Ser112Leu (NM_001007099.3); c.326C>T, p.Ser109Leu (NM_001007100.3); c.*25C>T (NM_001007250.3); c.1475C>T, p.Ser492Leu (NM_001193599.2); c.1415C>T, p.Ser472Leu (NM_001193600.2); c.1304C>T, p.Ser435Leu (NM_001193617.2); c.1547C>T (NM_002979.4); short protein forms S109L, S112L, S435L, S472L, S492L, S516L.
Identifiers: ClinVar variation 3620873 (VCV003620873.3).

ClinVar aggregate classification (germline): Uncertain significance. Review status: criteria provided, multiple submitters, no conflicts (2 of 4 stars). 3 submissions from 3 submitters: Uncertain significance (3). Last evaluated 2025-11-26.

Conditions:
SCP2-related disorder. Also called: SCP2-related condition.

gnomAD v4.1: 18 of 1,606,002 alleles (0.0011%); highest among the groups gnomAD compares: East Asian, 0.0089%; no homozygotes.

Submissions (3):

PreventionGenetics, part of Exact Sciences
Classification: Uncertain significance for SCP2-related condition. Last evaluated: 2025-11-26. Review status: criteria provided, single submitter. Criteria: ACMG Guidelines, 2015. Collection method: clinical testing. Allele origin: germline.
Comment: The SCP2 c.1547C>T variant is predicted to result in the amino acid substitution p.Ser516Leu. To our knowledge, this variant has not been reported in the literature. This variant is reported in 0.022% of alleles in individuals of East Asian descent in gnomAD. At this time, the clinical significance of this variant is uncertain due to the absence of conclusive functional and genetic evidence.

Labcorp Genetics (formerly Invitae), Labcorp
Classification: Uncertain significance. Last evaluated: 2024-12-07. Review status: criteria provided, single submitter. Criteria: Invitae Variant Classification Sherloc (09022015). Collection method: clinical testing. Allele origin: germline.
Comment: This sequence change replaces serine, which is neutral and polar, with leucine, which is neutral and non-polar, at codon 516 of the SCP2 protein (p.Ser516Leu). This variant is present in population databases (rs143184935, gnomAD 0.02%). This variant has not been reported in the literature in individuals affected with SCP2-related conditions. An algorithm developed to predict the effect of missense changes on protein structure and function (PolyPhen-2) suggests that this variant¬†is likely to be tolerated. In summary, the available evidence is currently insufficient to determine the role of this variant in disease. Therefore, it has been classified as a Variant of Uncertain Significance.

Blueprint Genetics
Classification: Uncertain significance. Last evaluated: 2024-10-25. Review status: criteria provided, single submitter. Criteria: ACMG Guidelines, 2015. Collection method: clinical testing. Allele origin: germline.